The following is an entry in ClinVar:

ClinVar aggregate classification (germline): Uncertain significance (1 of 4 stars; one submission).

Conditions:
Amelocerebrohypohidrotic syndrome (KTZS). Also called: Kohlschutter's syndrome; EPILEPSY AND YELLOW TEETH; EPILEPSY, DEMENTIA, AND AMELOGENESIS IMPERFECTA; KOHLSCHUTTER SYNDROME. Identifiers: Orphanet 1946, MedGen C0406740, MONDO:0009185, OMIM 226750.

Allele frequency attached by ClinVar (database versions not stated): gnomAD 0.00001 and 0.00002; TOPMed 0.00001.
gnomAD v4.1: 2 of 1,613,260 alleles (0.00012%); highest among the groups gnomAD compares: African/African-American, 0.0027%; no homozygotes.

Submission:

Labcorp Genetics (formerly Invitae), Labcorp
Classification: Uncertain significance for Amelocerebrohypohidrotic syndrome. Last evaluated: 2022-01-12. Review status: criteria provided, single submitter. Criteria: Invitae Variant Classification Sherloc (09022015). Collection method: clinical testing. Allele origin: germline.
Comment: This sequence change replaces histidine, which is basic and polar, with arginine, which is basic and polar, at codon 119 of the ROGDI protein (p.His119Arg). This variant is not present in population databases (gnomAD no frequency). This variant has not been reported in the literature in individuals affected with ROGDI-related conditions. Algorithms developed to predict the effect of missense changes on protein structure and function (SIFT, PolyPhen-2, Align-GVGD) all suggest that this variant is likely to be disruptive. In summary, the available evidence is currently insufficient to determine the role of this variant in disease. Therefore, it has been classified as a Variant of Uncertain Significance.

NM_024589.3(ROGDI):c.356A>G (p.His119Arg)

Gene: ROGDI (rogdi atypical leucine zipper; minus strand). Cytogenetic location: 16p13.3.
Variant type: single nucleotide variant.
Coding change: c.356A>G on transcript NM_024589.3 (MANE Select); coding-DNA position 356, A replaced by G.
Protein change: p.His119Arg; replaces histidine 119 with arginine.
Molecular consequence: missense variant. On other transcripts: non-coding transcript variant (1).
Genome position (GRCh38, 1-based): chr16:4,799,762, T>C on the plus strand (A>G on the coding strand, the complement: ROGDI is on the minus strand). VCF-style: chr16-4799762-T-C. GRCh37 (hg19) VCF-style: chr16-4849763-T-C.
Other names: short protein forms H119R.
Identifiers: ClinVar variation 1450879 (VCV001450879.3), dbSNP rs905717859, ClinGen allele CA277137968.
Genomic context (GRCh38, chr16:4,799,762, plus strand): 5'-CCCGTCTTGAACTGGTAGCTCTGGTCCCGGCTGGTAAGCAGGTAAATGGCTTGGCTCACA[T>C]GGTTTCTGGCATCCTGGATCTGGAAGCAGGGGTCATCCAGAGGGGTCACGCCAGCTTCCA-3'
Protein context (NP_078865.1, residues 109-129): KLQQIQDARN[His119Arg]VSQAIYLLTS